The following is an entry in ClinVar:

NM_005334.3(HCFC1):c.1828C>G (p.Leu610Val)

Gene: HCFC1 (host cell factor C1; minus strand). Cytogenetic location: Xq28.
Variant type: single nucleotide variant.
Coding change: c.1828C>G on transcript NM_005334.3 (MANE Select); coding-DNA position 1828, C replaced by G.
Protein change: p.Leu610Val; replaces leucine 610 with valine.
Molecular consequence: missense variant.
Genome position (GRCh38, 1-based): chrX:153,958,225, G>C on the plus strand (C>G on the coding strand, the complement: HCFC1 is on the minus strand). VCF-style: chrX-153958225-G-C. GRCh37 (hg19) VCF-style: chrX-153223676-G-C.
Other names: c.1828C>G, p.Leu610Val (NM_001410705.1); short protein forms L610V.
Identifiers: ClinVar variation 3906806 (VCV003906806.2).

ClinVar aggregate classification (germline): Uncertain significance (1 of 4 stars; one submission).

Submission:

GeneDx
Classification: Uncertain significance. Last evaluated: 2026-04-28. Review status: criteria provided, single submitter. Criteria: GeneDx Variant Classification Process June 2021. Collection method: clinical testing. Allele origin: germline.
Comment: Not observed at significant frequency in large population cohorts (gnomAD); In silico analysis suggests that this missense variant does not alter protein structure/function; Has not been previously published as pathogenic or benign to our knowledge